The following is an entry in ClinVar:

NM_004655.4(AXIN2):c.1962C>T (p.Gly654=)

Gene: AXIN2 (axin 2; minus strand). Cytogenetic location: 17q24.1.
Variant type: single nucleotide variant.
Coding change: c.1962C>T on transcript NM_004655.4 (MANE Select); coding-DNA position 1962, C replaced by T.
Protein change: p.Gly654=; no amino-acid change (glycine 654 retained).
Molecular consequence: synonymous variant.
Genome position (GRCh38, 1-based): chr17:65,536,499, G>A on the plus strand (C>T on the coding strand, the complement: AXIN2 is on the minus strand). VCF-style: chr17-65536499-G-A. GRCh37 (hg19) VCF-style: chr17-63532617-G-A.
Other names: c.1962C>T (LRG_296t1); c.1767C>T, p.Gly589= (NM_001363813.1).
Identifiers: ClinVar variation 644779 (VCV000644779.16), dbSNP rs377642903, ClinGen allele CA501690988.

ClinVar aggregate classification (germline): Benign/Likely benign. Review status: criteria provided, multiple submitters, no conflicts (2 of 4 stars). 3 submissions from 3 submitters: Benign (1); Likely benign (2). Last evaluated 2026-01-19.

Conditions:
Oligodontia-cancer predisposition syndrome. Also called: TOOTH AGENESIS-COLORECTAL CANCER SYNDROME. Identifiers: Orphanet 300576, MedGen C1837750, MONDO:0012075, OMIM 608615. Disease mechanism: loss of function.
Hereditary cancer-predisposing syndrome. Also called: Hereditary Cancer Syndrome; Tumor predisposition; Hereditary neoplastic syndrome; Neoplastic Syndromes, Hereditary. Identifiers: Orphanet 140162, MedGen C0027672, MeSH D009386, MONDO:0015356.

gnomAD v4.1: 10 of 1,613,854 alleles (0.00062%); highest among the groups gnomAD compares: African/African-American, 0.0013%; no homozygotes.

Submissions (3):

Labcorp Genetics (formerly Invitae), Labcorp
Classification: Likely benign for Oligodontia-cancer predisposition syndrome. Last evaluated: 2026-01-19. Review status: criteria provided, single submitter. Criteria: Invitae Variant Classification Sherloc (09022015). Collection method: clinical testing. Allele origin: germline.

Myriad Genetics, Inc.
Classification: Benign for Oligodontia-cancer predisposition syndrome. Last evaluated: 2024-07-09. Review status: criteria provided, single submitter. Criteria: Myriad Autosomal Dominant, Autosomal Recessive and X-Linked Classification Criteria (2023). Collection method: clinical testing. Allele origin: unknown.
Comment: This variant is considered benign. This variant is a silent/synonymous amino acid change and it is not expected to impact splicing.

Ambry Genetics
Classification: Likely benign for Hereditary cancer-predisposing syndrome. Last evaluated: 2019-12-23. Review status: criteria provided, single submitter. Criteria: Ambry Variant Classification Scheme 2023. Collection method: clinical testing. Allele origin: germline.